The following is an entry in ClinVar:

NM_005883.3(APC2):c.2075G>A (p.Arg692His)

Gene: APC2 (APC regulator of Wnt signaling pathway 2; plus strand). Cytogenetic location: 19p13.3.
Variant type: single nucleotide variant.
Coding change: c.2075G>A on transcript NM_005883.3 (MANE Select); coding-DNA position 2075, G replaced by A.
Protein change: p.Arg692His; replaces arginine 692 with histidine.
Molecular consequence: missense variant.
Genome position (GRCh38, 1-based): chr19:1,465,376, G>A. VCF-style: chr19-1465376-G-A. GRCh37 (hg19) VCF-style: chr19-1465375-G-A.
Other names: c.2072G>A, p.Arg691His (NM_001351273.1); c.2075G>A (NM_005883.2); short protein forms R691H, R692H.
Identifiers: ClinVar variation 2114939 (VCV002114939.6), dbSNP rs1395795708, ClinGen allele CA403024781.
Genomic context (GRCh38, chr19:1,465,376, plus strand): 5'-TGCGTAATCTGGTGCACTCCAAGCACAAGATGATCGCCATGGGCAGCGCCGCCGCCCTGC[G>A]CAACCTGCTGGCCCATCGGCCCGCCAAGCACCAGGCGGCCGCCACCGCCGTGTCCCCAGG-3'
Protein context (NP_005874.1, residues 682-702): MIAMGSAAAL[Arg692His]NLLAHRPAKH

ClinVar aggregate classification (germline): Uncertain significance. Review status: criteria provided, multiple submitters, no conflicts (2 of 4 stars). 2 submissions from 2 submitters: Uncertain significance (2). Last evaluated 2023-05-05.

Conditions:
Inborn genetic diseases. Identifiers: MedGen C0950123, MeSH D030342.

Allele frequency attached by ClinVar (database versions not stated): gnomAD exomes below 0.00001.
gnomAD v4.1: 4 of 1,578,886 alleles (0.00025%); highest among the groups gnomAD compares: South Asian, 0.0011%; no homozygotes.

Submissions (2):

Ambry Genetics
Classification: Uncertain significance for Inborn genetic diseases. Last evaluated: 2023-05-05. Review status: criteria provided, single submitter. Criteria: Ambry Variant Classification Scheme 2023. Collection method: clinical testing. Allele origin: germline.

Labcorp Genetics (formerly Invitae), Labcorp
Classification: Uncertain significance. Last evaluated: 2022-03-20. Review status: criteria provided, single submitter. Criteria: Invitae Variant Classification Sherloc (09022015). Collection method: clinical testing. Allele origin: germline.
Comment: In summary, the available evidence is currently insufficient to determine the role of this variant in disease. Therefore, it has been classified as a Variant of Uncertain Significance. Algorithms developed to predict the effect of missense changes on protein structure and function are either unavailable or do not agree on the potential impact of this missense change (SIFT: "Deleterious"; PolyPhen-2: "Probably Damaging"; Align-GVGD: "Class C0"). This variant has not been reported in the literature in individuals affected with APC2-related conditions. The frequency data for this variant in the population databases is considered unreliable, as metrics indicate poor data quality at this position in the gnomAD database. This sequence change replaces arginine, which is basic and polar, with histidine, which is basic and polar, at codon 692 of the APC2 protein (p.Arg692His).